The following is an entry in ClinVar:

ClinVar aggregate classification (germline): Benign/Likely benign. Review status: criteria provided, multiple submitters, no conflicts (2 of 4 stars). 3 submissions from 3 submitters: Benign (1); Likely benign (2). Last evaluated 2025-03-25.

Conditions:
Hereditary cancer-predisposing syndrome. Also called: Tumor predisposition; Hereditary Cancer Syndrome; Neoplastic Syndromes, Hereditary; Hereditary neoplastic syndrome. Identifiers: Orphanet 140162, MedGen C0027672, MeSH D009386, MONDO:0015356.
Peutz-Jeghers syndrome (PJS). Also called: POLYPOSIS, HAMARTOMATOUS INTESTINAL; POLYPS-AND-SPOTS SYNDROME; Peutz-Jeghers polyposis; Periorificial lentiginosis syndrome. Identifiers: Orphanet 2869, MedGen C0031269, MeSH D010580, MONDO:0008280, OMIM 175200.

Allele frequency attached by ClinVar (database versions not stated): gnomAD exomes below 0.00001.
gnomAD v4.1: 1 of 1,613,712 alleles (0.000062%); highest among the groups gnomAD compares: Non-Finnish European, 0.000085%; no homozygotes.

Submissions (3):

Myriad Genetics, Inc.
Classification: Benign for Peutz-Jeghers syndrome. Last evaluated: 2025-03-25. Review status: criteria provided, single submitter. Criteria: Myriad Autosomal Dominant, Autosomal Recessive and X-Linked Classification Criteria (2023). Collection method: clinical testing. Allele origin: unknown.
Comment: This variant is considered benign. This variant is a silent/synonymous amino acid change and it is not expected to impact splicing.

Labcorp Genetics (formerly Invitae), Labcorp
Classification: Likely benign for Peutz-Jeghers syndrome. Last evaluated: 2024-03-29. Review status: criteria provided, single submitter. Criteria: Invitae Variant Classification Sherloc (09022015). Collection method: clinical testing. Allele origin: germline.

Ambry Genetics
Classification: Likely benign for Hereditary cancer-predisposing syndrome. Last evaluated: 2015-06-11. Review status: criteria provided, single submitter. Criteria: Ambry Variant Classification Scheme 2023. Collection method: clinical testing. Allele origin: germline.

NM_000455.5(STK11):c.99G>A (p.Glu33=)

Gene: STK11 (serine/threonine kinase 11; plus strand). Cytogenetic location: 19p13.3.
Variant type: single nucleotide variant.
Coding change: c.99G>A on transcript NM_000455.5 (MANE Select); coding-DNA position 99, G replaced by A.
Protein change: p.Glu33=; no amino-acid change (glutamic acid 33 retained).
Molecular consequence: synonymous variant.
Genome position (GRCh38, 1-based): chr19:1,207,012, G>A. VCF-style: chr19-1207012-G-A. GRCh37 (hg19) VCF-style: chr19-1207011-G-A.
Identifiers: ClinVar variation 215745 (VCV000215745.14), dbSNP rs863224363, ClinGen allele CA337208.